The following is an entry in ClinVar:

ClinVar aggregate classification (germline): Uncertain significance. Review status: criteria provided, multiple submitters, no conflicts (2 of 4 stars). 2 submissions from 2 submitters: Uncertain significance (2). Last evaluated 2024-06-11.

Conditions:
Polycystic kidney disease, adult type (PKD1). Also called: POLYCYSTIC KIDNEY DISEASE 1 WITH OR WITHOUT POLYCYSTIC LIVER DISEASE; Polycystic Kidney Disease 1, Autosomal Dominant; Polycystic kidney disease 1; Polycystic kidney disease 1, severe; Polycystic Kidney, Autosomal Dominant; POLYCYSTIC KIDNEY DISEASE, ADULT, TYPE I. Identifiers: MedGen C3149841, MONDO:0008263, OMIM 173900.
PKD1-related disorder. Also called: PKD1-related condition.

Allele frequency attached by ClinVar (database versions not stated): gnomAD 0.00002; ExAC 0.00003; TOPMed 0.00003.
gnomAD v4.1: 13 of 1,602,426 alleles (0.00081%); highest among the groups gnomAD compares: African/African-American, 0.0013%; no homozygotes.

Submissions (2):

Fulgent Genetics
Classification: Uncertain significance for Polycystic kidney disease, adult type. Last evaluated: 2024-06-11. Review status: criteria provided, single submitter. Criteria: ACMG Guidelines, 2015. Collection method: clinical testing. Allele origin: germline.

PreventionGenetics, part of Exact Sciences
Classification: Uncertain significance for PKD1-related condition. Last evaluated: 2022-12-22. Review status: criteria provided, single submitter. Criteria: ACMG Guidelines, 2015. Collection method: clinical testing. Allele origin: germline.
Comment: The PKD1 c.2602G>A variant is predicted to result in the amino acid substitution p.Ala868Thr. To our knowledge, this variant has not been reported in the literature. This variant is reported in 0.0033% of alleles in individuals of South Asian descent in gnomAD. The p.Ala868 residue is weakly conserved during evolution and in other species is a threonine (Thr) at this position. Although we suspect that this variant may be benign, at this time, the clinical significance of this variant is uncertain due to the absence of conclusive functional and genetic evidence.

NM_001009944.3(PKD1):c.2602G>A (p.Ala868Thr)

Gene: PKD1 (polycystin 1, transient receptor potential channel interacting; minus strand). Cytogenetic location: 16p13.3.
Variant type: single nucleotide variant.
Coding change: c.2602G>A on transcript NM_001009944.3 (MANE Select); coding-DNA position 2602, G replaced by A.
Protein change: p.Ala868Thr; replaces alanine 868 with threonine.
Molecular consequence: missense variant.
Genome position (GRCh38, 1-based): chr16:2,114,421, C>T on the plus strand (G>A on the coding strand, the complement: PKD1 is on the minus strand). VCF-style: chr16-2114421-C-T. GRCh37 (hg19) VCF-style: chr16-2164422-C-T.
Other names: c.2602G>A, p.Ala868Thr (NM_000296.4); short protein forms A868T.
Identifiers: ClinVar variation 2634787 (VCV002634787.2), dbSNP rs769711984, ClinGen allele CA7833156.